The following is an entry in ClinVar:

ClinVar aggregate classification (germline): Uncertain significance (1 of 4 stars; one submission).

Allele frequency attached by ClinVar (database versions not stated): gnomAD exomes below 0.00001.

Submission:

Labcorp Genetics (formerly Invitae), Labcorp
Classification: Uncertain significance. Last evaluated: 2023-10-16. Review status: criteria provided, single submitter. Criteria: Invitae Variant Classification Sherloc (09022015). Collection method: clinical testing. Allele origin: germline.
Comment: This sequence change replaces glycine, which is neutral and non-polar, with arginine, which is basic and polar, at codon 354 of the CLCC1 protein (p.Gly354Arg). This variant is not present in population databases (gnomAD no frequency). This variant has not been reported in the literature in individuals affected with CLCC1-related conditions. ClinVar contains an entry for this variant (Variation ID: 1488025). An algorithm developed to predict the effect of missense changes on protein structure and function (PolyPhen-2) suggests that this variant is likely to be disruptive. In summary, the available evidence is currently insufficient to determine the role of this variant in disease. Therefore, it has been classified as a Variant of Uncertain Significance.

NM_001377458.1(CLCC1):c.1060G>A (p.Gly354Arg)

Gene: CLCC1 (chloride channel CLIC like 1; minus strand). Cytogenetic location: 1p13.3.
Variant type: single nucleotide variant.
Coding change: c.1060G>A on transcript NM_001377458.1 (MANE Select); coding-DNA position 1060, G replaced by A.
Protein change: p.Gly354Arg; replaces glycine 354 with arginine.
Molecular consequence: missense variant. On other transcripts: non-coding transcript variant (1).
Genome position (GRCh38, 1-based): chr1:108,937,400, C>T on the plus strand (G>A on the coding strand, the complement: CLCC1 is on the minus strand). VCF-style: chr1-108937400-C-T. GRCh37 (hg19) VCF-style: chr1-109480022-C-T.
Other names: c.1060G>A, p.Gly354Arg (NM_001048210.3, NM_001377459.1, NM_001377460.1 and 8 more transcripts); c.697G>A, p.Gly233Arg (NM_001278202.2); c.505G>A, p.Gly169Arg (NM_001278203.1); c.958G>A, p.Gly320Arg (NM_001377469.1); c.769G>A, p.Gly257Arg (NM_001377470.1); c.910G>A, p.Gly304Arg (NM_015127.5); short protein forms G320R, G304R, G169R, G354R, G233R, G257R.
Identifiers: ClinVar variation 1488025 (VCV001488025.6), dbSNP rs2101626878, ClinGen allele CA341458318.